The following is an entry in ClinVar:

NM_183050.4(BCKDHB):c.303_304dup (p.Gly102fs)

Gene: BCKDHB (branched chain keto acid dehydrogenase E1 subunit beta; plus strand). Cytogenetic location: 6q14.1.
Variant type: Duplication.
Coding change: c.303_304dup on transcript NM_183050.4 (MANE Select); coding-DNA positions 303 to 304, 2 bases duplicated (TG; older notation c.303_304dupTG).
Protein change: p.Gly102fs; shifts the reading frame from glycine 102.
Molecular consequence: frameshift variant. On other transcripts: non-coding transcript variant (6).
Genome position (GRCh38, 1-based): chr6:80,129,189-80,129,190, TG duplicated; duplicating any 2 consecutive bases within chr6:80,129,188-80,129,190 gives the same sequence; the c. name uses the placement nearest the transcript's 3' end. VCF-style (leftmost placement, unchanged base first): chr6-80129187-G-GGT. GRCh37 (hg19) VCF-style: chr6-80838904-G-GGT.
Other names: c.303_304dup, p.Gly102fs (NM_000056.5, NM_001424035.1, NM_001424036.1 and 8 more transcripts); c.93_94dup, p.Gly32fs (NM_001318975.1, NM_001424043.1); short protein forms G102fs, G32fs.
Identifiers: ClinVar variation 5013453 (VCV005013453.1).

ClinVar aggregate classification (germline): Pathogenic (1 of 4 stars; one submission).

Conditions:
Maple syrup urine disease type 1B (MSUD1B). Also called: MSUD type IB; MSUD type 3 (formerly); MSUD due to deficiency of e1-beta subunit of branched-chain alpha-keto acid dehydrogenase complex. Identifiers: MedGen C2930990, MONDO:0023692, OMIM 620698.

Submission:

Myriad Genetics, Inc.
Classification: Pathogenic for Maple syrup urine disease type 1B. Last evaluated: 2024-08-14. Review status: criteria provided, single submitter. Criteria: Myriad Autosomal Dominant, Autosomal Recessive and X-Linked Classification Criteria (2023). Collection method: clinical testing. Allele origin: unknown.
Comment: NM_183050.2(BCKDHB):c.303_304dupTG(G102Vfs*129) is expected to be pathogenic in the context of maple syrup urine disease type Ib. This variant is predicted to lead to an abnormal or absent protein product due to the creation of a premature termination codon in BCKDHB, a gene where loss-of-function variants are known to be pathogenic. Please note: this variant was assessed in the context of healthy population screening.